The following is an entry in ClinVar:

ClinVar aggregate classification (germline): Uncertain significance. Review status: criteria provided, multiple submitters, no conflicts (2 of 4 stars). 2 submissions from 2 submitters: Uncertain significance (2). Last evaluated 2024-02-20.

Conditions:
Cardiovascular phenotype. Identifiers: MedGen CN230736.
Long QT syndrome (LQTS). Identifiers: MedGen C0023976, MeSH D008133, MONDO:0002442. Disease mechanism: loss of function. Inheritance: Various modes of inheritance.

Allele frequency attached by ClinVar (database versions not stated): gnomAD exomes below 0.00001.
gnomAD v4.1: 6 of 1,614,070 alleles (0.00037%); highest among the groups gnomAD compares: Admixed American, 0.0033%; no homozygotes.

Submissions (2):

Labcorp Genetics (formerly Invitae), Labcorp
Classification: Uncertain significance for Long QT syndrome. Last evaluated: 2024-02-20. Review status: criteria provided, single submitter. Criteria: Invitae Variant Classification Sherloc (09022015). Collection method: clinical testing. Allele origin: germline.
Comment: This sequence change replaces proline, which is neutral and non-polar, with alanine, which is neutral and non-polar, at codon 3305 of the ANK2 protein (p.Pro3305Ala). This variant is present in population databases (rs749246876, gnomAD 0.003%). This variant has not been reported in the literature in individuals affected with ANK2-related conditions. ClinVar contains an entry for this variant (Variation ID: 1493711). An algorithm developed to predict the effect of missense changes on protein structure and function (PolyPhen-2) suggests that this variant is likely to be tolerated. In summary, the available evidence is currently insufficient to determine the role of this variant in disease. Therefore, it has been classified as a Variant of Uncertain Significance.

Ambry Genetics
Classification: Uncertain significance for Cardiovascular phenotype. Last evaluated: 2023-10-02. Review status: criteria provided, single submitter. Criteria: Ambry Variant Classification Scheme 2023. Collection method: clinical testing. Allele origin: germline.
Comment: The p.P3305A variant (also known as c.9913C>G), located in coding exon 38 of the ANK2 gene, results from a C to G substitution at nucleotide position 9913. The proline at codon 3305 is replaced by alanine, an amino acid with highly similar properties. This amino acid position is conserved. In addition, the in silico prediction for this alteration is inconclusive. Since supporting evidence is limited at this time, the clinical significance of this alteration remains unclear.

NM_001148.6(ANK2):c.9913C>G (p.Pro3305Ala)

Gene: ANK2 (ankyrin 2; plus strand). Cytogenetic location: 4q26.
Variant type: single nucleotide variant.
Coding change: c.9913C>G on transcript NM_001148.6 (MANE Select); coding-DNA position 9913, C replaced by G.
Protein change: p.Pro3305Ala; replaces proline 3305 with alanine.
Molecular consequence: missense variant. On other transcripts: intron variant (68).
Genome position (GRCh38, 1-based): chr4:113,358,531, C>G. VCF-style: chr4-113358531-C-G. GRCh37 (hg19) VCF-style: chr4-114279687-C-G.
Other names: c.9679C>G, p.Pro3227Ala (NM_001386142.1); c.6313C>G, p.Pro2105Ala (NM_001386166.1); c.10054C>G, p.Pro3352Ala (NM_001386174.1); c.10030C>G, p.Pro3344Ala (NM_001386175.1); c.4412-2292C>G (NM_001386186.2, NM_001386148.2); c.4214-2292C>G (NM_001354269.3); c.4292-2292C>G (NM_001386187.2); c.4253-2292C>G (NM_001386147.1); and 36 more; short protein forms P3305A, P3344A, P3227A, P2105A, P3352A.
Identifiers: ClinVar variation 1493711 (VCV001493711.9), dbSNP rs749246876, ClinGen allele CA103817675.
Genomic context (GRCh38, chr4:113,358,531, plus strand): 5'-ATCGAGATTCCTACTGCACCCATGGAGAATGTGCCTTTTACTGAAAGCAAATCCAAAATT[C>G]CTGTAAGGACTATGCCCACTTCCACCCCAGCACCTCCATCTGCAGAGTATGAGAGTTCAG-3'
Protein context (NP_001139.3, residues 3295-3315): VPFTESKSKI[Pro3305Ala]VRTMPTSTPA